The following is an entry in ClinVar:

NM_000047.3(ARSL):c.1199C>T (p.Pro400Leu)

Gene: ARSL (arylsulfatase L; minus strand). Cytogenetic location: Xp22.33.
Variant type: single nucleotide variant.
Coding change: c.1199C>T on transcript NM_000047.3 (MANE Select); coding-DNA position 1199, C replaced by T.
Protein change: p.Pro400Leu; replaces proline 400 with leucine.
Molecular consequence: missense variant.
Genome position (GRCh38, 1-based): chrX:2,938,185, G>A on the plus strand (C>T on the coding strand, the complement: ARSL is on the minus strand). VCF-style: chrX-2938185-G-A. GRCh37 (hg19) VCF-style: chrX-2856226-G-A.
Other names: c.1274C>T, p.Pro425Leu (NM_001282628.2, NM_001369080.1); c.1037C>T, p.Pro346Leu (NM_001282631.2); c.1226C>T, p.Pro409Leu (NM_001369079.1); c.1199C>T (NM_000047.2); short protein forms P346L, P400L, P409L, P425L.
Identifiers: ClinVar variation 1683184 (VCV001683184.9), dbSNP rs372359634, ClinGen allele CA10338050.

ClinVar aggregate classification (germline): Conflicting classifications of pathogenicity. Review status: criteria provided, conflicting classifications (1 of 4 stars). 3 submissions from 3 submitters: Uncertain significance (2); Benign (1). Last evaluated 2024-09-27.

Conditions:
Chondrodysplasia punctata, brachytelephalangic, autosomal. Also called: BRACHYTELEPHALANGIC CHONDRODYSPLASIA PUNCTATA. Identifiers: MedGen C1844853, MONDO:0011238, OMIM 602497.
Inborn genetic diseases. Identifiers: MedGen C0950123, MeSH D030342.

Allele frequency attached by ClinVar (database versions not stated): gnomAD exomes 0.00007 and 0.00004; gnomAD 0.00005 and 0.00004; ExAC 0.00005; TOPMed 0.00006; ESP Exome Variant Server 0.00009.
gnomAD v4.1: 83 of 1,210,683 alleles (0.0069%); highest among the groups gnomAD compares: Non-Finnish European, 0.0085%; no homozygotes.

Submissions (3):

Ambry Genetics
Classification: Uncertain significance for Inborn genetic diseases. Last evaluated: 2024-09-27. Review status: criteria provided, single submitter. Criteria: Ambry Variant Classification Scheme 2023. Collection method: clinical testing. Allele origin: germline.

Labcorp Genetics (formerly Invitae), Labcorp
Classification: Benign for Chondrodysplasia punctata, brachytelephalangic, autosomal. Last evaluated: 2024-03-08. Review status: criteria provided, single submitter. Criteria: Invitae Variant Classification Sherloc (09022015). Collection method: clinical testing. Allele origin: germline.

GeneDx
Classification: Uncertain significance. Last evaluated: 2023-04-03. Review status: criteria provided, single submitter. Criteria: GeneDx Variant Classification Process June 2021. Collection method: clinical testing. Allele origin: germline. Affected: yes.
Comment: In silico analysis supports that this missense variant has a deleterious effect on protein structure/function; Has not been previously published as pathogenic or benign to our knowledge